The following is an entry in ClinVar:

NM_000264.5(PTCH1):c.1178C>A (p.Ala393Glu)

Gene: PTCH1 (patched 1; minus strand). Cytogenetic location: 9q22.32.
Variant type: single nucleotide variant.
Coding change: c.1178C>A on transcript NM_000264.5 (MANE Select); coding-DNA position 1178, C replaced by A.
Protein change: p.Ala393Glu; replaces alanine 393 with glutamic acid.
Molecular consequence: missense variant. On other transcripts: non-coding transcript variant (1).
Genome position (GRCh38, 1-based): chr9:95,479,037, G>T on the plus strand (C>A on the coding strand, the complement: PTCH1 is on the minus strand). VCF-style: chr9-95479037-G-T. GRCh37 (hg19) VCF-style: chr9-98241319-G-T.
Other names: c.980C>A, p.Ala327Glu (NM_001083602.3); c.1175C>A, p.Ala392Glu (NM_001083603.3); c.725C>A, p.Ala242Glu (NM_001083604.3, NM_001083605.3, NM_001083606.3 and 1 more transcripts); c.1178C>A, p.Ala393Glu (NM_001354918.2); short protein forms A327E, A393E, A242E, A392E.
Identifiers: ClinVar variation 937740 (VCV000937740.10), dbSNP rs202020837, ClinGen allele CA374119283.

ClinVar aggregate classification (germline): Uncertain significance (1 of 4 stars; one submission).

Conditions:
Gorlin syndrome. Also called: Nevoid Basal Cell Carcinoma Syndrome; Basal cell nevus syndrome. Identifiers: Orphanet 377, MedGen C0004779, MONDO:0007187.

gnomAD v4.1: 1 of 1,614,220 alleles (0.000062%); highest among the groups gnomAD compares: Non-Finnish European, 0.000085%; no homozygotes.

Submission:

Labcorp Genetics (formerly Invitae), Labcorp
Classification: Uncertain significance for Gorlin syndrome. Last evaluated: 2020-09-02. Review status: criteria provided, single submitter. Criteria: Invitae Variant Classification Sherloc (09022015). Collection method: clinical testing. Allele origin: germline.
Comment: In summary, the available evidence is currently insufficient to determine the role of this variant in disease. Therefore, it has been classified as a Variant of Uncertain Significance. Algorithms developed to predict the effect of missense changes on protein structure and function are either unavailable or do not agree on the potential impact of this missense change (SIFT: "Deleterious"; PolyPhen-2: "Benign"; Align-GVGD: "Class C0"). This variant has not been reported in the literature in individuals with PTCH1-related conditions. This variant is not present in population databases (ExAC no frequency). This sequence change replaces alanine with glutamic acid at codon 393 of the PTCH1 protein (p.Ala393Glu). The alanine residue is moderately conserved and there is a moderate physicochemical difference between alanine and glutamic acid.